The following is an entry in ClinVar:

NM_000324.3(RHAG):c.256G>A (p.Val86Ile)

Gene: RHAG (Rh associated glycoprotein; minus strand). Cytogenetic location: 6p12.3.
Variant type: single nucleotide variant.
Coding change: c.256G>A on transcript NM_000324.3 (MANE Select); coding-DNA position 256, G replaced by A.
Protein change: p.Val86Ile; replaces valine 86 with isoleucine.
Molecular consequence: missense variant.
Genome position (GRCh38, 1-based): chr6:49,619,264, C>T on the plus strand (G>A on the coding strand, the complement: RHAG is on the minus strand). VCF-style: chr6-49619264-C-T. GRCh37 (hg19) VCF-style: chr6-49586977-C-T.
Other names: short protein forms V86I.
Identifiers: ClinVar variation 2064307 (VCV002064307.5), dbSNP rs139053593, ClinGen allele CA3847957.

ClinVar aggregate classification (germline): Conflicting classifications of pathogenicity. Review status: criteria provided, conflicting classifications (1 of 4 stars). 2 submissions from 2 submitters: Uncertain significance (1); Likely benign (1). Last evaluated 2025-12-30.

Allele frequency attached by ClinVar (database versions not stated): TOPMed 0.00003; ESP Exome Variant Server 0.00008; gnomAD 0.00021; ExAC 0.00037; 1000 Genomes Project 0.00060; 1000 Genomes Project 30x 0.00062.
gnomAD v4.1: 293 of 1,614,082 alleles (0.018%); highest among the groups gnomAD compares: South Asian, 0.17%; 3 homozygotes.

Submissions (2):

Labcorp Genetics (formerly Invitae), Labcorp
Classification: Uncertain significance. Last evaluated: 2025-12-30. Review status: criteria provided, single submitter. Criteria: Invitae Variant Classification Sherloc (09022015). Collection method: clinical testing. Allele origin: germline.
Comment: This sequence change replaces valine, which is neutral and non-polar, with isoleucine, which is neutral and non-polar, at codon 86 of the RHAG protein (p.Val86Ile). This variant is present in population databases (rs139053593, gnomAD 0.1%). This variant has not been reported in the literature in individuals affected with RHAG-related conditions. ClinVar contains an entry for this variant (Variation ID: 2064307). Invitae Evidence Modeling of protein sequence and biophysical properties (such as structural, functional, and spatial information, amino acid conservation, physicochemical variation, residue mobility, and thermodynamic stability) indicates that this missense variant is not expected to disrupt RHAG protein function with a negative predictive value of 80%. In summary, the available evidence is currently insufficient to determine the role of this variant in disease. Therefore, it has been classified as a Variant of Uncertain Significance.

Blueprint Genetics
Classification: Likely benign. Last evaluated: 2023-11-30. Review status: criteria provided, single submitter. Criteria: ACMG Guidelines, 2015. Collection method: clinical testing. Allele origin: germline.